The following is an entry in ClinVar:

ClinVar aggregate classification (germline): Uncertain significance (1 of 4 stars; one submission).

Allele frequency attached by ClinVar (database versions not stated): gnomAD exomes below 0.00001; ExAC 0.00001.
gnomAD v4.1: 2 of 1,614,198 alleles (0.00012%); highest among the groups gnomAD compares: Admixed American, 0.0017%; no homozygotes.

Submission:

Ambry Genetics
Classification: Uncertain significance. Last evaluated: 2022-11-20. Review status: criteria provided, single submitter. Criteria: Ambry Variant Classification Scheme 2023. Collection method: clinical testing. Allele origin: germline.
Comment: The p.S176A variant (also known as c.526T>G), located in coding exon 3 of the ALPK2 gene, results from a T to G substitution at nucleotide position 526. The serine at codon 176 is replaced by alanine, an amino acid with similar properties. This amino acid position is conserved. In addition, this alteration is predicted to be tolerated by in silico analysis. Since supporting evidence is limited at this time, the clinical significance of this alteration remains unclear.

NM_052947.4(ALPK2):c.526T>G (p.Ser176Ala)

Gene: ALPK2 (alpha kinase 2; minus strand). Cytogenetic location: 18q21.31.
Variant type: single nucleotide variant.
Coding change: c.526T>G on transcript NM_052947.4 (MANE Select); coding-DNA position 526, T replaced by G.
Protein change: p.Ser176Ala; replaces serine 176 with alanine.
Molecular consequence: missense variant.
Genome position (GRCh38, 1-based): chr18:58,580,250, A>C on the plus strand (T>G on the coding strand, the complement: ALPK2 is on the minus strand). VCF-style: chr18-58580250-A-C. GRCh37 (hg19) VCF-style: chr18-56247482-A-C.
Other names: short protein forms S176A.
Identifiers: ClinVar variation 2497270 (VCV002497270.2), dbSNP rs771158284, ClinGen allele CA8977432.